The following is an entry in ClinVar:

ClinVar aggregate classification (germline): Uncertain significance (1 of 4 stars; one submission).

Allele frequency attached by ClinVar (database versions not stated): TOPMed 0.00006; ExAC 0.00007; gnomAD exomes 0.00007; ESP Exome Variant Server 0.00008; gnomAD 0.00008.
gnomAD v4.1: 111 of 1,614,018 alleles (0.0069%); highest among the groups gnomAD compares: Non-Finnish European, 0.0089%; no homozygotes.

Submission:

Labcorp Genetics (formerly Invitae), Labcorp
Classification: Uncertain significance. Last evaluated: 2024-10-22. Review status: criteria provided, single submitter. Criteria: Invitae Variant Classification Sherloc (09022015). Collection method: clinical testing. Allele origin: germline.
Comment: This sequence change replaces lysine, which is basic and polar, with glutamic acid, which is acidic and polar, at codon 385 of the NUP85 protein (p.Lys385Glu). This variant is present in population databases (rs371897302, gnomAD 0.01%). This variant has not been reported in the literature in individuals affected with NUP85-related conditions. ClinVar contains an entry for this variant (Variation ID: 2180552). An algorithm developed to predict the effect of missense changes on protein structure and function (PolyPhen-2) suggests that this variant is likely to be tolerated. In summary, the available evidence is currently insufficient to determine the role of this variant in disease. Therefore, it has been classified as a Variant of Uncertain Significance.

NM_024844.5(NUP85):c.1153A>G (p.Lys385Glu)

Gene: NUP85 (nucleoporin 85; plus strand). Cytogenetic location: 17q25.1.
Variant type: single nucleotide variant.
Coding change: c.1153A>G on transcript NM_024844.5 (MANE Select); coding-DNA position 1153, A replaced by G.
Protein change: p.Lys385Glu; replaces lysine 385 with glutamic acid.
Molecular consequence: missense variant.
Genome position (GRCh38, 1-based): chr17:75,231,398, A>G. VCF-style: chr17-75231398-A-G. GRCh37 (hg19) VCF-style: chr17-73227493-A-G.
Other names: c.1015A>G, p.Lys339Glu (NM_001303276.2); c.1018A>G, p.Lys340Glu (NM_001330472.2); short protein forms K340E, K339E, K385E.
Identifiers: ClinVar variation 2180552 (VCV002180552.4), dbSNP rs371897302, ClinGen allele CA8758725.